The following is an entry in ClinVar:

ClinVar aggregate classification (germline): Uncertain significance (1 of 4 stars; one submission).

Conditions:
Inborn genetic diseases. Identifiers: MedGen C0950123, MeSH D030342.

Submission:

Ambry Genetics
Classification: Uncertain significance for Inborn genetic diseases. Last evaluated: 2021-10-22. Review status: criteria provided, single submitter. Criteria: Ambry Variant Classification Scheme 2023. Collection method: clinical testing. Allele origin: germline.
Comment: The c.196A>G (p.I66V) alteration is located in exon 2 (coding exon 2) of the RRAS2 gene. This alteration results from an A to G substitution at nucleotide position 196, causing the isoleucine (I) at amino acid position 66 to be replaced by a valine (V). This variant was not reported in population-based cohorts in the Genome Aggregation Database (gnomAD). This amino acid position is highly conserved in available vertebrate species. This alteration is predicted to be tolerated by in silico analysis. Based on insufficient or conflicting evidence, the clinical significance of this alteration remains unclear.

NM_012250.6(RRAS2):c.196A>G (p.Ile66Val)

Gene: RRAS2 (RAS related 2; minus strand). Cytogenetic location: 11p15.2.
Variant type: single nucleotide variant.
Coding change: c.196A>G on transcript NM_012250.6 (MANE Select); coding-DNA position 196, A replaced by G.
Protein change: p.Ile66Val; replaces isoleucine 66 with valine.
Molecular consequence: missense variant.
Genome position (GRCh38, 1-based): chr11:14,295,768, T>C on the plus strand (A>G on the coding strand, the complement: RRAS2 is on the minus strand). VCF-style: chr11-14295768-T-C. GRCh37 (hg19) VCF-style: chr11-14317314-T-C.
Other names: c.-36A>G (NM_001102669.3, NM_001177315.2); c.91A>G, p.Ile31Val (NM_001177314.2); short protein forms I31V, I66V.
Identifiers: ClinVar variation 2253572 (VCV002253572.2), dbSNP rs2494141833, ClinGen allele CA379860761.